The following is an entry in ClinVar:

NM_207361.6(FREM2):c.6727C>T (p.Arg2243Ter)

Gene: FREM2 (FRAS1 related extracellular matrix 2; plus strand). Cytogenetic location: 13q13.3.
Variant type: single nucleotide variant.
Coding change: c.6727C>T on transcript NM_207361.6 (MANE Select); coding-DNA position 6727, C replaced by T.
Protein change: p.Arg2243Ter; replaces arginine 2243 with a stop codon.
Molecular consequence: nonsense.
Genome position (GRCh38, 1-based): chr13:38,851,093, C>T. VCF-style: chr13-38851093-C-T. GRCh37 (hg19) VCF-style: chr13-39425230-C-T.
Other names: short protein forms R2243*.
Identifiers: ClinVar variation 523570 (VCV000523570.6), dbSNP rs767978562, ClinGen allele CA6955656.

ClinVar aggregate classification (germline): Pathogenic/Likely pathogenic. Review status: criteria provided, multiple submitters, no conflicts (2 of 4 stars). 3 submissions from 3 submitters: Pathogenic (2); Likely pathogenic (1). Last evaluated 2022-12-30.

Conditions:
Fraser syndrome 1 (FRASRS1). Also called: CRYPTOPHTHALMOS WITH OTHER MALFORMATIONS. Identifiers: Orphanet 2052, MedGen C4551480, MONDO:0054737, OMIM 219000.
Cryptophthalmia. Also called: Cryptophthalmos. Identifiers: Orphanet 98562, MedGen C0311249, MONDO:0020153, HP:0001126.
Unilateral renal agenesis. Also called: Solitary kidney. Identifiers: Orphanet 93100, MedGen C0266294, MONDO:0019636, HP:0000122.
Finger syndactyly. Identifiers: MedGen C0221352, HP:0006101.
Ambiguous genitalia. Identifiers: MedGen C0266362, HP:0000062.
Cryptotia. Identifiers: MedGen C2315717, HP:0011252.
Abnormality of the anus. Identifiers: MedGen C4025329, HP:0004378.
Toe syndactyly. Identifiers: MedGen C0265660, HP:0001770.
Renal hypoplasia/aplasia. Also called: Renal hypodysplasia/aplasia. Identifiers: MedGen C1857453, HP:0008678.

Allele frequency attached by ClinVar (database versions not stated): gnomAD 0.00001; gnomAD exomes 0.00001; TOPMed 0.00001; ExAC 0.00002.
gnomAD v4.1: 11 of 1,613,486 alleles (0.00068%); highest among the groups gnomAD compares: Non-Finnish European, 0.00093%; no homozygotes.

Submissions (3):

Women's Health and Genetics/Laboratory Corporation of America, LabCorp
Classification: Likely pathogenic for Fraser syndrome 1. Last evaluated: 2022-12-30. Review status: criteria provided, single submitter. Criteria: LabCorp Variant Classification Summary - May 2015. Collection method: clinical testing. Allele origin: germline.
Comment: Variant summary: FREM2 c.6727C>T (p.Arg2243X) results in a premature termination codon, predicted to cause a truncation of the encoded protein or absence of the protein due to nonsense mediated decay, which are commonly known mechanisms for disease. Truncations downstream of this position have been associated with Cryptophthalmos / Fraser syndrome in HGMD. The variant allele was found at a frequency of 8e-06 in 250332 control chromosomes. To our knowledge, no occurrence of c.6727C>T in individuals affected with Cryptophthalmos Syndrome and no experimental evidence demonstrating its impact on protein function have been reported. One clinical diagnostic laboratory has submitted clinical-significance assessments for this variant to ClinVar after 2014 without evidence for independent evaluation. One laboratory classified the variant as pathogenic. Based on the evidence outlined above, the variant was classified as likely pathogenic.

Labcorp Genetics (formerly Invitae), Labcorp
Classification: Pathogenic. Last evaluated: 2022-11-24. Review status: criteria provided, single submitter. Criteria: Invitae Variant Classification Sherloc (09022015). Collection method: clinical testing. Allele origin: germline.
Comment: This sequence change creates a premature translational stop signal (p.Arg2243*) in the FREM2 gene. It is expected to result in an absent or disrupted protein product. Loss-of-function variants in FREM2 are known to be pathogenic (PMID: 18203166, 26552811). This variant is present in population databases (rs767978562, gnomAD 0.002%). This variant has not been reported in the literature in individuals affected with FREM2-related conditions. ClinVar contains an entry for this variant (Variation ID: 523570). For these reasons, this variant has been classified as Pathogenic.

Centre for Mendelian Genomics, University Medical Centre Ljubljana
Classification: Pathogenic for Abnormality of the anus; Ambiguous genitalia; Cryptophthalmia; Cryptotia; Finger syndactyly; Renal hypoplasia/aplasia; Toe syndactyly; Unilateral renal agenesis. Last evaluated: 2017-01-01. Review status: criteria provided, single submitter. Criteria: ACMG Guidelines, 2015. Collection method: clinical testing. Allele origin: unknown. Affected: yes.

Literature cited by the submitters: PubMed 18203166 (cited by Labcorp Genetics (formerly Invitae), Labcorp); PubMed 26552811 (cited by Labcorp Genetics (formerly Invitae), Labcorp).